The following is an entry in ClinVar:

NM_053025.4(MYLK):c.2453C>T (p.Ala818Val)

Gene: MYLK (myosin light chain kinase; minus strand). Cytogenetic location: 3q21.1.
Variant type: single nucleotide variant.
Coding change: c.2453C>T on transcript NM_053025.4 (MANE Select); coding-DNA position 2453, C replaced by T.
Protein change: p.Ala818Val; replaces alanine 818 with valine.
Molecular consequence: missense variant.
Genome position (GRCh38, 1-based): chr3:123,701,447, G>A on the plus strand (C>T on the coding strand, the complement: MYLK is on the minus strand). VCF-style: chr3-123701447-G-A. GRCh37 (hg19) VCF-style: chr3-123420294-G-A.
Other names: c.1925C>T, p.Ala642Val (NM_001321309.2); c.2246C>T, p.Ala749Val (NM_053026.4, NM_053028.4); c.2453C>T, p.Ala818Val (NM_053027.4); short protein forms A818V, A749V, A642V.
Identifiers: ClinVar variation 2567260 (VCV002567260.5), dbSNP rs772504905, ClinGen allele CA068564.

ClinVar aggregate classification (germline): Uncertain significance. Review status: criteria provided, multiple submitters, no conflicts (2 of 4 stars). 2 submissions from 2 submitters: Uncertain significance (2). Last evaluated 2025-10-28.

Conditions:
Familial thoracic aortic aneurysm and aortic dissection (TAAD). Also called: Thoracic aortic aneurysms and dissections. Identifiers: Orphanet 91387, MedGen C4707243, MONDO:0019625.
Aortic aneurysm, familial thoracic 7 (AAT7). Also called: AORTIC DISSECTION, FAMILIAL, WITH OR WITHOUT AORTIC ANEURYSM. Identifiers: MedGen C3151077, MONDO:0013418, OMIM 613780.

Allele frequency attached by ClinVar (database versions not stated): ExAC 0.00001; gnomAD exomes 0.00001.
gnomAD v4.1: 20 of 1,614,072 alleles (0.0012%); highest among the groups gnomAD compares: Non-Finnish European, 0.0017%; no homozygotes.

Submissions (2):

Labcorp Genetics (formerly Invitae), Labcorp
Classification: Uncertain significance for Aortic aneurysm, familial thoracic 7. Last evaluated: 2025-10-28. Review status: criteria provided, single submitter. Criteria: Invitae Variant Classification Sherloc (09022015). Collection method: clinical testing. Allele origin: germline.
Comment: This sequence change replaces alanine, which is neutral and non-polar, with valine, which is neutral and non-polar, at codon 818 of the MYLK protein (p.Ala818Val). This variant is present in population databases (rs772504905, gnomAD 0.002%). This variant has not been reported in the literature in individuals affected with MYLK-related conditions. ClinVar contains an entry for this variant (Variation ID: 2567260). Invitae Evidence Modeling of protein sequence and biophysical properties (such as structural, functional, and spatial information, amino acid conservation, physicochemical variation, residue mobility, and thermodynamic stability) indicates that this missense variant is not expected to disrupt MYLK protein function with a negative predictive value of 80%. In summary, the available evidence is currently insufficient to determine the role of this variant in disease. Therefore, it has been classified as a Variant of Uncertain Significance.

Ambry Genetics
Classification: Uncertain significance for Familial thoracic aortic aneurysm and aortic dissection. Last evaluated: 2023-06-03. Review status: criteria provided, single submitter. Criteria: Ambry Variant Classification Scheme 2023. Collection method: clinical testing. Allele origin: germline.
Comment: The p.A818V variant (also known as c.2453C>T), located in coding exon 14 of the MYLK gene, results from a C to T substitution at nucleotide position 2453. The alanine at codon 818 is replaced by valine, an amino acid with similar properties. This amino acid position is conserved. In addition, this alteration is predicted to be tolerated by in silico analysis. Since supporting evidence is limited at this time, the clinical significance of this alteration remains unclear.